The following is an entry in ClinVar:

NM_017934.7(PHIP):c.485A>G (p.Glu162Gly)

Gene: PHIP (PHIP subunit of CUL4-Ring ligase complex; minus strand). Cytogenetic location: 6q14.1.
Variant type: single nucleotide variant.
Coding change: c.485A>G on transcript NM_017934.7 (MANE Select); coding-DNA position 485, A replaced by G.
Protein change: p.Glu162Gly; replaces glutamic acid 162 with glycine.
Molecular consequence: missense variant.
Genome position (GRCh38, 1-based): chr6:79,042,958, T>C on the plus strand (A>G on the coding strand, the complement: PHIP is on the minus strand). VCF-style: chr6-79042958-T-C. GRCh37 (hg19) VCF-style: chr6-79752675-T-C.
Other names: short protein forms E162G.
Identifiers: ClinVar variation 5017547 (VCV005017547.1).

ClinVar aggregate classification (germline): Uncertain significance (1 of 4 stars; one submission).

Submission:

GeneDx
Classification: Uncertain significance. Last evaluated: 2026-03-28. Review status: criteria provided, single submitter. Criteria: GeneDx Variant Classification Process June 2021. Collection method: clinical testing. Allele origin: germline.
Comment: Not observed at significant frequency in large population cohorts (gnomAD); In silico analysis suggests that this missense variant does not alter protein structure/function; Has not been previously published as pathogenic or benign to our knowledge